The following is an entry in ClinVar:

NM_152617.4(RNF168):c.302-3T>C

Gene: RNF168 (ring finger protein 168; minus strand). Cytogenetic location: 3q29.
Variant type: single nucleotide variant.
Coding change: c.302-3T>C on transcript NM_152617.4 (MANE Select); 3 bases into the intron before coding-DNA position 302, T replaced by C.
Molecular consequence: intron variant.
Genome position (GRCh38, 1-based): chr3:196,488,686, A>G on the plus strand (T>C on the coding strand, the complement: RNF168 is on the minus strand). VCF-style: chr3-196488686-A-G. GRCh37 (hg19) VCF-style: chr3-196215557-A-G.
Identifiers: ClinVar variation 1480363 (VCV001480363.3), dbSNP rs2108650828, ClinGen allele CA2573136845.

ClinVar aggregate classification (germline): Uncertain significance (1 of 4 stars; one submission).

Allele frequency attached by ClinVar (database versions not stated): gnomAD exomes below 0.00001.
gnomAD v4.1: 1 of 1,582,516 alleles (0.000063%); highest among the groups gnomAD compares: Middle Eastern, 0.017%; no homozygotes.

Submission:

Labcorp Genetics (formerly Invitae), Labcorp
Classification: Uncertain significance. Last evaluated: 2020-10-30. Review status: criteria provided, single submitter. Criteria: Invitae Variant Classification Sherloc (09022015). Collection method: clinical testing. Allele origin: germline.
Comment: This sequence change falls in intron 1 of the RNF168 gene. It does not directly change the encoded amino acid sequence of the RNF168 protein. It affects a nucleotide within the consensus splice site of the intron. This variant is not present in population databases (ExAC no frequency). This variant has not been reported in the literature in individuals with RNF168-related conditions. Nucleotide substitutions within the consensus splice site are a relatively common cause of aberrant splicing (PMID: 17576681, 9536098). Algorithms developed to predict the effect of sequence changes on RNA splicing suggest that this variant may create or strengthen a splice site, but this prediction has not been confirmed by published transcriptional studies. In summary, the available evidence is currently insufficient to determine the role of this variant in disease. Therefore, it has been classified as a Variant of Uncertain Significance.

Literature cited by the submitters: PubMed 17576681; PubMed 9536098.